The following is an entry in ClinVar:

ClinVar aggregate classification (germline): Conflicting classifications of pathogenicity. Review status: criteria provided, conflicting classifications (1 of 4 stars). 2 submissions from 2 submitters: Likely pathogenic (1); Uncertain significance (1). Last evaluated 2024-07-11.

Conditions:
Developmental and epileptic encephalopathy, 33 (DEE33). Also called: Epileptic encephalopathy, early infantile, 33. Identifiers: Orphanet 442835, MedGen C4225337, MONDO:0014625, OMIM 616409.

Submissions (2):

3billion
Classification: Likely pathogenic for Developmental and epileptic encephalopathy, 33. Last evaluated: 2024-07-11. Review status: criteria provided, single submitter. Criteria: ACMG Guidelines, 2015. Collection method: clinical testing. Allele origin: germline. Affected: yes.
Comment: The variant is not observed in the gnomAD v4.0.0 dataset. Predicted Consequence/Location: Missense changes are a common disease-causing mechanism. In silico tool predictions suggest damaging effect of the variant on gene or gene product [REVEL: 0.75 (>=0.6, sensitivity 0.68 and specificity 0.92); 3Cnet: 0.85 (>=0.6, sensitivity 0.72 and precision 0.9)]. Therefore, this variant is classified as Likely pathogenic according to the recommendation of ACMG/AMP guideline.

Revvity Omics, Revvity
Classification: Uncertain significance. Last evaluated: 2024-01-09. Review status: criteria provided, single submitter. Criteria: ACMG Guidelines, 2015. Collection method: clinical testing. Allele origin: germline.

NM_001958.5(EEF1A2):c.317C>T (p.Thr106Ile)

Gene: EEF1A2 (eukaryotic translation elongation factor 1 alpha 2; minus strand). Cytogenetic location: 20q13.33.
Variant type: single nucleotide variant.
Coding change: c.317C>T on transcript NM_001958.5 (MANE Select); coding-DNA position 317, C replaced by T.
Protein change: p.Thr106Ile; replaces threonine 106 with isoleucine.
Molecular consequence: missense variant.
Genome position (GRCh38, 1-based): chr20:63,495,863, G>A on the plus strand (C>T on the coding strand, the complement: EEF1A2 is on the minus strand). VCF-style: chr20-63495863-G-A. GRCh37 (hg19) VCF-style: chr20-62127216-G-A.
Other names: short protein forms T106I.
Identifiers: ClinVar variation 4078561 (VCV004078561.2).